The following is an entry in ClinVar:

NM_017637.6(BNC2):c.1542C>T (p.Thr514=)

Gene: BNC2 (basonuclin zinc finger protein 2; minus strand). Cytogenetic location: 9p22.3.
Variant type: single nucleotide variant.
Coding change: c.1542C>T on transcript NM_017637.6 (MANE Select); coding-DNA position 1542, C replaced by T.
Protein change: p.Thr514=; no amino-acid change (threonine 514 retained).
Molecular consequence: synonymous variant.
Genome position (GRCh38, 1-based): chr9:16,436,652, G>A on the plus strand (C>T on the coding strand, the complement: BNC2 is on the minus strand). VCF-style: chr9-16436652-G-A. GRCh37 (hg19) VCF-style: chr9-16436650-G-A.
Other names: c.1416C>T, p.Thr472= (NM_001317939.2); c.1257C>T, p.Thr419= (NM_001317940.2).
Identifiers: ClinVar variation 708491 (VCV000708491.10), dbSNP rs149867299, ClinGen allele CA4996054.

ClinVar aggregate classification (germline): Benign. Review status: criteria provided, single submitter (1 of 4 stars). 2 submissions from 2 submitters: Benign (1). 1 of the submissions does not count toward it. Last evaluated 2025-11-27.

Conditions:
BNC2-related disorder. Also called: BNC2-related condition.

Allele frequency attached by ClinVar (database versions not stated): gnomAD exomes 0.00021 and 0.00061; ExAC 0.00074; 1000 Genomes Project 0.00200; 1000 Genomes Project 30x 0.00203; gnomAD 0.00243 and 0.00264; TOPMed 0.00286; ESP Exome Variant Server 0.00315.
gnomAD v4.1: 691 of 1,614,090 alleles (0.043%); highest among the groups gnomAD compares: African/African-American, 0.85%; 1 homozygote.

Submissions (2):

Labcorp Genetics (formerly Invitae), Labcorp
Classification: Benign. Last evaluated: 2025-11-27. Review status: criteria provided, single submitter. Criteria: Invitae Variant Classification Sherloc (09022015). Collection method: clinical testing. Allele origin: germline.

PreventionGenetics, part of Exact Sciences
Classification: Likely benign for BNC2-related condition. Last evaluated: 2019-04-12. Review status: no assertion criteria provided. Collection method: clinical testing. Allele origin: germline. Not counted in ClinVar's aggregate classification.
Comment: This variant is classified as likely benign based on ACMG/AMP sequence variant interpretation guidelines (Richards et al. 2015 PMID: 25741868, with internal and published modifications).